The following is an entry in ClinVar:

NM_000179.3(MSH6):c.3727_3743dup (p.His1248fs)

Gene: MSH6 (mutS homolog 6; plus strand). Cytogenetic location: 2p16.3.
Variant type: Duplication.
Coding change: c.3727_3743dup on transcript NM_000179.3 (MANE Select); coding-DNA positions 3727 to 3743, 17 bases duplicated (ACATTATTTTCAACTCA).
Protein change: p.His1248fs; shifts the reading frame from histidine 1248.
Molecular consequence: frameshift variant. On other transcripts: non-coding transcript variant (5).
Genome position (GRCh38, 1-based): chr2:47,806,284-47,806,300, ACATTATTTTCAACTCA duplicated. VCF-style (leftmost placement, unchanged base first): chr2-47806283-T-TACATTATTTTCAACTCA. GRCh37 (hg19) VCF-style: chr2-48033422-T-TACATTATTTTCAACTCA.
Other names: c.2821_2837dup, p.His946fs (NM_001406816.1, NM_001406823.1, NM_001406829.1 and 6 more transcripts); c.2161_2177dup, p.His726fs (NM_001406817.1); c.3430_3446dup, p.His1149fs (NM_001406818.1, NM_001406819.1, NM_001406820.1 and 10 more transcripts); c.3559_3575dup, p.His1192fs (NM_001406826.1); c.508_524dup, p.His175fs (NM_001406831.1); c.574_590dup, p.His197fs (NM_001406832.1); c.1672_1688dup, p.His563fs (NM_001407362.1); c.3337_3353dup, p.His1118fs (NM_001281492.2); and 7 more; short protein forms H1073fs, H1118fs, H1149fs, H1190fs, H1192fs, H1222fs, H1248fs, H1250fs.
Identifiers: ClinVar variation 4077012 (VCV004077012.1).

ClinVar aggregate classification (germline): Likely pathogenic (1 of 4 stars; one submission).

Conditions:
Lynch syndrome. Identifiers: Orphanet 144, MedGen C4552100, MONDO:0005835. Disease mechanism: loss of function.

Submission:

GeneKor MSA
Classification: Likely pathogenic for Lynch syndrome. Last evaluated: 2025-06-20. Review status: criteria provided, single submitter. Criteria: ACMG Guidelines, 2015. Collection method: clinical testing. Allele origin: germline. Affected: yes.
Comment: This variant involves the duplication of 17 nucleotides in exon 8 of the MSH6 mRNA (c.3727_3743dup), resulting in a frameshift and the introduction of a premature stop codon 11 amino acids downstream p.(His1248Glnfs*11). This is expected to cause premature termination of protein synthesis and loss of function of one allele. For these reasons, the variant is classified as likely pathogenic.